The following is an entry in ClinVar:

NM_000368.5(TSC1):c.1604C>T (p.Pro535Leu)

Gene: TSC1 (TSC complex subunit 1; minus strand). Cytogenetic location: 9q34.13.
Variant type: single nucleotide variant.
Coding change: c.1604C>T on transcript NM_000368.5 (MANE Select); coding-DNA position 1604, C replaced by T.
Protein change: p.Pro535Leu; replaces proline 535 with leucine.
Molecular consequence: missense variant.
Genome position (GRCh38, 1-based): chr9:132,905,974, G>A on the plus strand (C>T on the coding strand, the complement: TSC1 is on the minus strand). VCF-style: chr9-132905974-G-A. GRCh37 (hg19) VCF-style: chr9-135781361-G-A.
Other names: c.1601C>T, p.Pro534Leu (NM_001162426.2); c.1451C>T, p.Pro484Leu (NM_001162427.2); c.1241C>T, p.Pro414Leu (NM_001362177.2); short protein forms P414L, P484L, P534L, P535L.
Identifiers: ClinVar variation 819628 (VCV000819628.4), dbSNP rs1164741723, ClinGen allele CA375364763.

ClinVar aggregate classification (germline): Uncertain significance (1 of 4 stars; one submission).

Conditions:
Hereditary cancer-predisposing syndrome. Also called: Neoplastic Syndromes, Hereditary; Tumor predisposition; Hereditary Cancer Syndrome; Hereditary neoplastic syndrome. Identifiers: Orphanet 140162, MedGen C0027672, MeSH D009386, MONDO:0015356.

Allele frequency attached by ClinVar (database versions not stated): gnomAD exomes below 0.00001.

Submission:

Ambry Genetics
Classification: Uncertain significance for Hereditary cancer-predisposing syndrome. Last evaluated: 2022-03-24. Review status: criteria provided, single submitter. Criteria: Ambry Variant Classification Scheme 2023. Collection method: clinical testing. Allele origin: germline.
Comment: The p.P535L variant (also known as c.1604C>T), located in coding exon 13 of the TSC1 gene, results from a C to T substitution at nucleotide position 1604. The proline at codon 535 is replaced by leucine, an amino acid with similar properties. This amino acid position is not well conserved in available vertebrate species. In addition, this alteration is predicted to be tolerated by in silico analysis. Since supporting evidence is limited at this time, the clinical significance of this alteration remains unclear.